The following is an entry in ClinVar:

NM_001039660.2(IL18BP):c.448T>C (p.Cys150Arg)

Gene: IL18BP (interleukin 18 binding protein; plus strand). Cytogenetic location: 11q13.4.
Variant type: single nucleotide variant.
Coding change: c.448T>C on transcript NM_001039660.2 (MANE Select); coding-DNA position 448, T replaced by C.
Protein change: p.Cys150Arg; replaces cysteine 150 with arginine.
Molecular consequence: missense variant. On other transcripts: intron variant (2).
Genome position (GRCh38, 1-based): chr11:72,001,493, T>C. VCF-style: chr11-72001493-T-C. GRCh37 (hg19) VCF-style: chr11-71712539-T-C.
Other names: c.448T>C, p.Cys150Arg (NM_001039659.2, NM_001145057.1, NM_005699.3 and 1 more transcripts); c.379+69T>C (NM_173044.3); c.236-291T>C (NM_001145055.1); short protein forms C150R.
Identifiers: ClinVar variation 2813565 (VCV002813565.3), dbSNP rs1955233923, ClinGen allele CA381723590.

ClinVar aggregate classification (germline): Uncertain significance (1 of 4 stars; one submission).

Allele frequency attached by ClinVar (database versions not stated): gnomAD exomes below 0.00001; TOPMed below 0.00001.
gnomAD v4.1: 6 of 1,614,056 alleles (0.00037%); highest among the groups gnomAD compares: Non-Finnish European, 0.00051%; no homozygotes.

Submission:

Labcorp Genetics (formerly Invitae), Labcorp
Classification: Uncertain significance. Last evaluated: 2025-03-18. Review status: criteria provided, single submitter. Criteria: Invitae Variant Classification Sherloc (09022015). Collection method: clinical testing. Allele origin: germline.
Comment: This sequence change replaces cysteine, which is neutral and slightly polar, with arginine, which is basic and polar, at codon 150 of the IL18BP protein (p.Cys150Arg). This variant is not present in population databases (gnomAD no frequency). This variant has not been reported in the literature in individuals affected with IL18BP-related conditions. ClinVar contains an entry for this variant (Variation ID: 2813565). An algorithm developed to predict the effect of missense changes on protein structure and function (PolyPhen-2) suggests that this variant is likely to be disruptive. In summary, the available evidence is currently insufficient to determine the role of this variant in disease. Therefore, it has been classified as a Variant of Uncertain Significance.